The following is an entry in ClinVar:

ClinVar aggregate classification (germline): Likely benign (1 of 4 stars; one submission).

Submission:

CeGaT Center for Human Genetics Tuebingen
Classification: Likely benign. Last evaluated: 2024-12-01. Review status: criteria provided, single submitter. Criteria: CeGaT Center For Human Genetics Tuebingen Variant Classification Criteria Version 2. Collection method: clinical testing. Allele origin: germline. Affected: yes. Observed: 1 variant allele.
Comment: TPRX1: PM2:Supporting, BP4, BP7

NM_001397346.1(TPRX1):c.825A>C (p.Pro275=)

Gene: TPRX1 (tetrapeptide repeat homeobox 1; minus strand). Cytogenetic location: 19q13.33.
Variant type: single nucleotide variant.
Coding change: c.825A>C on transcript NM_001397346.1 (MANE Select); coding-DNA position 825, A replaced by C.
Protein change: p.Pro275=; no amino-acid change (proline 275 retained).
Molecular consequence: synonymous variant.
Genome position (GRCh38, 1-based): chr19:47,802,351, T>G on the plus strand (A>C on the coding strand, the complement: TPRX1 is on the minus strand). VCF-style: chr19-47802351-T-G. GRCh37 (hg19) VCF-style: chr19-48305608-T-G.
Other names: c.951A>C, p.Pro317= (NM_198479.3).
Identifiers: ClinVar variation 3772037 (VCV003772037.13).